The following is an entry in ClinVar:

NM_006767.4(LZTR1):c.1215C>T (p.Gly405=)

Gene: LZTR1 (leucine zipper like post translational regulator 1; plus strand). Cytogenetic location: 22q11.21.
Variant type: single nucleotide variant.
Coding change: c.1215C>T on transcript NM_006767.4 (MANE Select); coding-DNA position 1215, C replaced by T.
Protein change: p.Gly405=; no amino-acid change (glycine 405 retained).
Molecular consequence: synonymous variant.
Genome position (GRCh38, 1-based): chr22:20,992,859, C>T. VCF-style: chr22-20992859-C-T. GRCh37 (hg19) VCF-style: chr22-21347148-C-T.
Identifiers: ClinVar variation 3377779 (VCV003377779.1).

ClinVar aggregate classification (germline): Uncertain significance (1 of 4 stars; one submission).

Conditions:
Noonan syndrome 10 (NS10). Identifiers: Orphanet 648, MedGen C4225280, MONDO:0014693, OMIM 616564.

Submission:

St. Jude Molecular Pathology, St. Jude Children's Research Hospital
Classification: Uncertain significance for Noonan syndrome 10. Last evaluated: 2024-03-13. Review status: criteria provided, single submitter. Criteria: St. Jude Assertion Criteria 2020. Collection method: clinical testing. Allele origin: germline.
Comment: The LZTR1 c.1215C>T (p.Gly405=) synonymous change is absent in gnomAD v2.1.1. Algorithms that predict the impact of sequence changes on splicing indicate that this change may impact splicing, but these predictions have not been confirmed by RNA studies. This variant has not been reported in the literature in individuals with LZTR1-related disease. In summary, the evidence currently available is insufficient to determine the clinical significance of this variant. It has therefore been classified as of uncertain significance.??